The following is an entry in ClinVar:

ClinVar aggregate classification (germline): Uncertain significance (1 of 4 stars; one submission).

Conditions:
Inborn genetic diseases. Identifiers: MedGen C0950123, MeSH D030342.

Submission:

Ambry Genetics
Classification: Uncertain significance for Inborn genetic diseases. Last evaluated: 2025-10-03. Review status: criteria provided, single submitter. Criteria: Ambry Variant Classification Scheme 2023. Collection method: clinical testing. Allele origin: germline.
Comment: The p.Y310H variant (also known as c.928T>C), located in coding exon 6 of the G6PC3 gene, results from a T to C substitution at nucleotide position 928. The tyrosine at codon 310 is replaced by histidine, an amino acid with similar properties. This amino acid position is conserved. In addition, this alteration is predicted to be deleterious by in silico analysis. Based on the available evidence, the clinical significance of this variant remains unclear.

NM_138387.4(G6PC3):c.928T>C (p.Tyr310His)

Gene: G6PC3 (glucose-6-phosphatase catalytic subunit 3; plus strand). Cytogenetic location: 17q21.31.
Variant type: single nucleotide variant.
Coding change: c.928T>C on transcript NM_138387.4 (MANE Select); coding-DNA position 928, T replaced by C.
Protein change: p.Tyr310His; replaces tyrosine 310 with histidine.
Molecular consequence: missense variant. On other transcripts: 3 prime UTR variant (1).
Genome position (GRCh38, 1-based): chr17:44,075,930, T>C. VCF-style: chr17-44075930-T-C. GRCh37 (hg19) VCF-style: chr17-42153298-T-C.
Other names: c.*221T>C (NM_001319945.2); c.583T>C, p.Tyr195His (NM_001384165.1, NM_001384166.1, NM_001384167.1 and 1 more transcripts); short protein forms Y195H, Y310H.
Identifiers: ClinVar variation 4620492 (VCV004620492.1).
Genomic context (GRCh38, chr17:44,075,930, plus strand): 5'-GCCATGGGGCTGCTGGGCCCCCTGGACTGGCTGGGCCACCCCCCTCAGATCAGCCTCTTC[T>C]ACATTTTCAATTTCCTCAAGTACACCCTCTGGCCATGCCTAGTCCTGGCCCTCGTGCCCT-3'
Protein context (NP_612396.1, residues 300-320): LGHPPQISLF[Tyr310His]IFNFLKYTLW